The following is an entry in ClinVar:

ClinVar aggregate classification (germline): Uncertain significance (1 of 4 stars; one submission).

Conditions:
Severe X-linked myotubular myopathy (CNMX). Also called: Myotubular myopathy, X-linked; MYOTUBULAR MYOPATHY 1; X-linked centronuclear myopathy. Identifiers: Orphanet 596, MedGen C0410203, MONDO:0010683, OMIM 310400.

Allele frequency attached by ClinVar (database versions not stated): gnomAD 0.00001; gnomAD exomes 0.00001; TOPMed 0.00003.
gnomAD v4.1: 10 of 1,209,563 alleles (0.00083%); highest among the groups gnomAD compares: African/African-American, 0.011%; no homozygotes.

Submission:

Labcorp Genetics (formerly Invitae), Labcorp
Classification: Uncertain significance for Severe X-linked myotubular myopathy. Last evaluated: 2023-12-27. Review status: criteria provided, single submitter. Criteria: Invitae Variant Classification Sherloc (09022015). Collection method: clinical testing. Allele origin: germline.
Comment: This sequence change replaces arginine, which is basic and polar, with glutamine, which is neutral and polar, at codon 214 of the MTM1 protein (p.Arg214Gln). This variant is present in population databases (no rsID available, gnomAD 0.001%). This variant has not been reported in the literature in individuals affected with MTM1-related conditions. ClinVar contains an entry for this variant (Variation ID: 2137879). Advanced modeling of protein sequence and biophysical properties (such as structural, functional, and spatial information, amino acid conservation, physicochemical variation, residue mobility, and thermodynamic stability) performed at Invitae indicates that this missense variant is not expected to disrupt MTM1 protein function with a negative predictive value of 80%. In summary, the available evidence is currently insufficient to determine the role of this variant in disease. Therefore, it has been classified as a Variant of Uncertain Significance.

NM_000252.3(MTM1):c.641G>A (p.Arg214Gln)

Gene: MTM1 (myotubularin 1; plus strand). Cytogenetic location: Xq28.
Variant type: single nucleotide variant.
Coding change: c.641G>A on transcript NM_000252.3 (MANE Select); coding-DNA position 641, G replaced by A.
Protein change: p.Arg214Gln; replaces arginine 214 with glutamine.
Molecular consequence: missense variant.
Genome position (GRCh38, 1-based): chrX:150,641,381, G>A. VCF-style: chrX-150641381-G-A. GRCh37 (hg19) VCF-style: chrX-149809854-G-A.
Other names: c.641G>A, p.Arg214Gln (NM_001376906.1, NM_001376908.1); c.530G>A, p.Arg177Gln (NM_001376907.1); short protein forms R214Q, R177Q.
Identifiers: ClinVar variation 2137879 (VCV002137879.4), dbSNP rs868921502, ClinGen allele CA337092250.